The following is an entry in ClinVar:

ClinVar aggregate classification (germline): Likely benign. Review status: criteria provided, multiple submitters, no conflicts (2 of 4 stars). 4 submissions from 4 submitters: Likely benign (3). 1 of the submissions does not count toward it. Last evaluated 2026-04-01.

Conditions:
BRPF1-related disorder. Also called: BRPF1-related condition.

Allele frequency attached by ClinVar (database versions not stated): ExAC 0.00021; ESP Exome Variant Server 0.00023; TOPMed 0.00029; 1000 Genomes Project 0.00040; gnomAD 0.00040; gnomAD exomes 0.00059; 1000 Genomes Project 30x 0.00062.

Submissions (4):

CeGaT Center for Human Genetics Tuebingen
Classification: Likely benign. Last evaluated: 2026-04-01. Review status: criteria provided, single submitter. Criteria: CeGaT Center For Human Genetics Tuebingen Variant Classification Criteria Version 2. Collection method: clinical testing. Allele origin: germline. Affected: yes. Observed: 2 variant alleles.
Comment: BRPF1: BP4, BS2

Laboratory of Genetics, Children's Clinical University Hospital Latvia
Classification: Likely benign. Last evaluated: 2025-02-16. Review status: criteria provided, single submitter. Criteria: ACMG Guidelines, 2015. Collection method: clinical testing. Allele origin: germline. Affected: yes.

Blueprint Genetics
Classification: Likely benign. Last evaluated: 2024-11-06. Review status: criteria provided, single submitter. Criteria: ACMG Guidelines, 2015. Collection method: clinical testing. Allele origin: germline.

PreventionGenetics, part of Exact Sciences
Classification: Likely benign for BRPF1-related condition. Last evaluated: 2019-09-13. Review status: no assertion criteria provided. Collection method: clinical testing. Allele origin: germline. Not counted in ClinVar's aggregate classification.
Comment: This variant is classified as likely benign based on ACMG/AMP sequence variant interpretation guidelines (Richards et al. 2015 PMID: 25741868, with internal and published modifications).

NM_001003694.2(BRPF1):c.1855-7A>G

Gene: BRPF1 (bromodomain and PHD finger containing 1; plus strand). Cytogenetic location: 3p25.3.
Variant type: single nucleotide variant.
Coding change: c.1855-7A>G on transcript NM_001003694.2 (MANE Select); 7 bases into the intron before coding-DNA position 1855, A replaced by G.
Molecular consequence: intron variant.
Genome position (GRCh38, 1-based): chr3:9,742,018, A>G. VCF-style: chr3-9742018-A-G. GRCh37 (hg19) VCF-style: chr3-9783702-A-G.
Other names: c.1855-7A>G (NM_001410704.1, NM_004634.3, NM_001319049.2 and 1 more transcripts).
Identifiers: ClinVar variation 3040369 (VCV003040369.9), dbSNP rs201405768, ClinGen allele CA2241972.